The following is an entry in ClinVar:

NM_000264.5(PTCH1):c.4271A>T (p.Asp1424Val)

Gene: PTCH1 (patched 1; minus strand). Cytogenetic location: 9q22.32.
Variant type: single nucleotide variant.
Coding change: c.4271A>T on transcript NM_000264.5 (MANE Select); coding-DNA position 4271, A replaced by T.
Protein change: p.Asp1424Val; replaces aspartic acid 1424 with valine.
Molecular consequence: missense variant. On other transcripts: non-coding transcript variant (1).
Genome position (GRCh38, 1-based): chr9:95,446,985, T>A on the plus strand (A>T on the coding strand, the complement: PTCH1 is on the minus strand). VCF-style: chr9-95446985-T-A. GRCh37 (hg19) VCF-style: chr9-98209267-T-A.
Other names: c.4073A>T, p.Asp1358Val (NM_001083602.3); c.4268A>T, p.Asp1423Val (NM_001083603.3); c.3818A>T, p.Asp1273Val (NM_001083604.3, NM_001083605.3, NM_001083606.3 and 1 more transcripts); c.4115A>T, p.Asp1372Val (NM_001354918.2); short protein forms D1273V, D1372V, D1358V, D1423V, D1424V.
Identifiers: ClinVar variation 824744 (VCV000824744.5), dbSNP rs1588509666, ClinGen allele CA374109986.

ClinVar aggregate classification (germline): Uncertain significance (1 of 4 stars; one submission).

Conditions:
Hereditary cancer-predisposing syndrome. Also called: Neoplastic Syndromes, Hereditary; Tumor predisposition; Hereditary neoplastic syndrome; Hereditary Cancer Syndrome. Identifiers: Orphanet 140162, MedGen C0027672, MeSH D009386, MONDO:0015356.

Submission:

Ambry Genetics
Classification: Uncertain significance for Hereditary cancer-predisposing syndrome. Last evaluated: 2024-04-26. Review status: criteria provided, single submitter. Criteria: Ambry Variant Classification Scheme 2023. Collection method: clinical testing. Allele origin: germline.
Comment: The p.D1424V variant (also known as c.4271A>T), located in coding exon 23 of the PTCH1 gene, results from an A to T substitution at nucleotide position 4271. The aspartic acid at codon 1424 is replaced by valine, an amino acid with highly dissimilar properties. This amino acid position is not well conserved in available vertebrate species. In addition, this alteration is predicted to be tolerated by in silico analysis. Since supporting evidence is limited at this time, the clinical significance of this alteration remains unclear.